The following is an entry in ClinVar:

ClinVar aggregate classification (germline): Likely pathogenic (1 of 4 stars; one submission).

Conditions:
Autosomal recessive Alport syndrome (ATS2). Also called: ALPORT SYNDROME 2, AUTOSOMAL RECESSIVE; COL4A3-Related Nephropathy; COL4A4 Alport Syndrome and Thin Basement Membrane Nephropathy; Alport syndrome type 2. Identifiers: Orphanet 63, Orphanet 88919, MedGen C4746745, MONDO:0008762, OMIM 203780.

Submission:

MVZ Medizinische Genetik Mainz
Classification: Likely pathogenic for Autosomal recessive Alport syndrome. Last evaluated: 2024-04-03. Review status: criteria provided, single submitter. Criteria: UK Practice Guidelines For Variant Classification V4 01 2020. Collection method: clinical testing. Allele origin: germline. Inheritance: Autosomal dominant inheritance. Affected: yes. Observed: 1 variant allele.
Comment: ACMG Criteria: PM1_STR,PM2_SUP,PP3,PP4

NM_000092.5(COL4A4):c.1724G>C (p.Gly575Ala)

Gene: COL4A4 (collagen type IV alpha 4 chain; minus strand). Cytogenetic location: 2q36.3.
Variant type: single nucleotide variant.
Coding change: c.1724G>C on transcript NM_000092.5 (MANE Select); coding-DNA position 1724, G replaced by C.
Protein change: p.Gly575Ala; replaces glycine 575 with alanine.
Molecular consequence: missense variant.
Genome position (GRCh38, 1-based): chr2:227,080,522, C>G on the plus strand (G>C on the coding strand, the complement: COL4A4 is on the minus strand). VCF-style: chr2-227080522-C-G. GRCh37 (hg19) VCF-style: chr2-227945238-C-G.
Other names: short protein forms G575A.
Identifiers: ClinVar variation 3256873 (VCV003256873.1).
Genomic context (GRCh38, chr2:227,080,522, plus strand): 5'-TTTTCTCCAGCATGTCCATCCCGACCATGTGATCCTGGCTGCCCTGGAAATCCTGGGGGC[C>G]CATCAGGACCTCTTTCTCCTTTGTGCCCTGGAAATAGAGGTCAAAAGATATTCAAGCTCT-3'
Protein context (NP_000083.3, residues 565-585): KGHKGERGPD[Gly575Ala]PPGFPGQPGS